The following is an entry in ClinVar:

ClinVar aggregate classification (germline): Uncertain significance (1 of 4 stars; one submission).

Conditions:
Isolated microphthalmia 5. Also called: Posterior Microphthalmia with Retinitis Pigmentosa, Foveoschisis, and Optic Disc Drusen. Identifiers: Orphanet 251279, MedGen C1970236, MONDO:0012605, OMIM 611040.

Submission:

Labcorp Genetics (formerly Invitae), Labcorp
Classification: Uncertain significance for Isolated microphthalmia 5. Last evaluated: 2024-07-08. Review status: criteria provided, single submitter. Criteria: Invitae Variant Classification Sherloc (09022015). Collection method: clinical testing. Allele origin: germline.
Comment: This sequence change replaces leucine, which is neutral and non-polar, with arginine, which is basic and polar, at codon 184 of the MFRP protein (p.Leu184Arg). This variant is not present in population databases (gnomAD no frequency). This variant has not been reported in the literature in individuals affected with MFRP-related conditions. ClinVar contains an entry for this variant (Variation ID: 1047230). Advanced modeling of protein sequence and biophysical properties (such as structural, functional, and spatial information, amino acid conservation, physicochemical variation, residue mobility, and thermodynamic stability) performed at Invitae indicates that this missense variant is expected to disrupt MFRP protein function with a positive predictive value of 80%. In summary, the available evidence is currently insufficient to determine the role of this variant in disease. Therefore, it has been classified as a Variant of Uncertain Significance.

NM_031433.4(MFRP):c.551T>G (p.Leu184Arg)

Genes: C1QTNF5 (C1q and TNF related 5; minus strand), MFRP (membrane frizzled-related protein; minus strand). Cytogenetic location: 11q23.3.
Variant type: single nucleotide variant.
Coding change: c.551T>G on transcript NM_031433.4 (MANE Select); coding-DNA position 551, T replaced by G.
Protein change: p.Leu184Arg; replaces leucine 184 with arginine.
Molecular consequence: missense variant. On other transcripts: 5 prime UTR variant (1).
Genome position (GRCh38, 1-based): chr11:119,345,510, A>C on the plus strand (T>G on the coding strand, the complement: MFRP is on the minus strand). VCF-style: chr11-119345510-A-C. GRCh37 (hg19) VCF-style: chr11-119216220-A-C.
Other names: c.-2086T>G (NM_015645.5); short protein forms L184R.
Identifiers: ClinVar variation 1047230 (VCV001047230.9), dbSNP rs1950554178, ClinGen allele CA382978190.